The following is an entry in ClinVar:

ClinVar aggregate classification (germline): Benign/Likely benign. Review status: criteria provided, multiple submitters, no conflicts (2 of 4 stars). 2 submissions from 2 submitters: Benign (1); Likely benign (1). Last evaluated 2026-01-05.

Conditions:
Tuberous sclerosis 2 (TSC2). Identifiers: Orphanet 805, MedGen C1860707, MONDO:0013199, OMIM 613254.

Allele frequency attached by ClinVar (database versions not stated): gnomAD 0.00001; gnomAD exomes 0.00001; TOPMed 0.00001; ExAC 0.00002; 1000 Genomes Project 0.00020; 1000 Genomes Project 30x 0.00031.
gnomAD v4.1: 10 of 1,612,914 alleles (0.00062%); highest among the groups gnomAD compares: Admixed American, 0.0083%; no homozygotes.

Submissions (2):

Labcorp Genetics (formerly Invitae), Labcorp
Classification: Benign for Tuberous sclerosis 2. Last evaluated: 2026-01-05. Review status: criteria provided, single submitter. Criteria: Invitae Variant Classification Sherloc (09022015). Collection method: clinical testing. Allele origin: germline.

Myriad Genetics, Inc.
Classification: Likely benign for Tuberous sclerosis 2. Last evaluated: 2025-05-29. Review status: criteria provided, single submitter. Criteria: Myriad Autosomal Dominant, Autosomal Recessive and X-Linked Classification Criteria (2023). Collection method: clinical testing. Allele origin: unknown.
Comment: This variant is considered likely benign. This variant is intronic and is not expected to impact mRNA splicing.

NM_000548.5(TSC2):c.3398-9C>T

Gene: TSC2 (TSC complex subunit 2; plus strand). Cytogenetic location: 16p13.3.
Variant type: single nucleotide variant.
Coding change: c.3398-9C>T on transcript NM_000548.5 (MANE Select); 9 bases into the intron before coding-DNA position 3398, C replaced by T.
Molecular consequence: intron variant.
Genome position (GRCh38, 1-based): chr16:2,080,156, C>T. VCF-style: chr16-2080156-C-T. GRCh37 (hg19) VCF-style: chr16-2130157-C-T.
Other names: c.3266-9C>T (NM_001370404.1, NM_001077183.3); c.3158-9C>T (NM_001318827.2); c.2666-9C>T (NM_001318831.2); c.3122-9C>T (NM_001318829.2); c.3299-9C>T (NM_001318832.2); c.3398-9C>T (NM_001114382.3); c.3269-9C>T (NM_021055.3, NM_001370405.1, NM_001363528.2).
Identifiers: ClinVar variation 468011 (VCV000468011.13), dbSNP rs555194713, ClinGen allele CA046696.